The following is an entry in ClinVar:

NM_000295.5(SERPINA1):c.1130dup (p.Leu377fs)

Gene: SERPINA1 (serpin family A member 1; minus strand). Cytogenetic location: 14q32.13.
Variant type: Duplication.
Coding change: c.1130dup on transcript NM_000295.5 (MANE Select); coding-DNA position 1130, one base duplicated (T; older notation c.1130dupT).
Protein change: p.Leu377fs; shifts the reading frame from leucine 377.
Molecular consequence: frameshift variant.
Genome position (GRCh38, 1-based): chr14:94,378,576, A duplicated on the plus strand (T on the coding strand, the reverse complement: SERPINA1 is on the minus strand); the first of 5 consecutive A bases (chr14:94,378,576-94,378,580); duplicating any one gives the same sequence. VCF-style (leftmost placement, unchanged base first): chr14-94378575-T-TA. GRCh37 (hg19) VCF-style: chr14-94844912-T-TA.
Other names: c.1130dupT (NM_000295.4); c.1130dup, p.Leu377fs (NM_001002235.3, NM_001002236.3, NM_001127700.2 and 7 more transcripts); short protein forms L377fs.
Identifiers: ClinVar variation 552891 (VCV000552891.15), dbSNP rs763023697, ClinGen allele CA7327268.

ClinVar aggregate classification (germline): Pathogenic. Review status: criteria provided, multiple submitters, no conflicts (2 of 4 stars). 4 submissions from 4 submitters: Pathogenic (2). 2 of the submissions do not count toward it. Last evaluated 2024-05-07.

Conditions:
SERPINA1-related disorder. Also called: SerpinA1-related disorders; SERPINA1-related condition.
Alpha-1-antitrypsin deficiency (A1ATD). Also called: Alpha1-Antitrypsin Deficiency; AAT deficiency; A1AT deficiency. Identifiers: Orphanet 60, MedGen C0221757, MONDO:0013282, OMIM 613490.

Submissions (4):

Blueprint Genetics
Classification: Pathogenic for SERPINA1-related disorders. Last evaluated: 2024-05-07. Review status: criteria provided, single submitter. Criteria: ACMG Guidelines, 2015. Collection method: clinical testing. Allele origin: germline. Affected: yes. Observed: 5 variant alleles.

Labcorp Genetics (formerly Invitae), Labcorp
Classification: Pathogenic for Alpha-1-antitrypsin deficiency. Last evaluated: 2024-05-01. Review status: criteria provided, single submitter. Criteria: Invitae Variant Classification Sherloc (09022015). Collection method: clinical testing. Allele origin: germline.
Comment: This sequence change creates a premature translational stop signal (p.Leu377Phefs*24) in the SERPINA1 gene. While this is not anticipated to result in nonsense mediated decay, it is expected to disrupt the last 42 amino acid(s) of the SERPINA1 protein. This variant is present in population databases (rs766291631, gnomAD 0.003%). This premature translational stop signal has been observed in individual(s) with alpha-1-antitrypsin deficiency (PMID: 2539391, 21457231). It has also been observed to segregate with disease in related individuals. This variant is also known as Null Mattawa, L353fsX376, c.1126->T and Q0nancy. ClinVar contains an entry for this variant (Variation ID: 552891). Algorithms developed to predict the effect of variants on gene product structure and function are not available or were not evaluated for this variant. Experimental studies have shown that this premature translational stop signal affects SERPINA1 function (PMID: 2539391). This variant disrupts a region of the SERPINA1 protein in which other variant(s) (p.Glu387Argfs*14) have been determined to be pathogenic (PMID: 9070606, 11334395, 22016686). This suggests that this is a clinically significant region of the protein, and that variants that disrupt it are likely to be disease-causing. For these reasons, this variant has been classified as Pathogenic.

Counsyl
Classification: Pathogenic for Alpha-1-antitrypsin deficiency. Last evaluated: 2017-07-17. Review status: no assertion criteria provided. Collection method: clinical testing. Allele origin: unknown. Not counted in ClinVar's aggregate classification.

Child Health and Human Development Program, Research Institute of the McGill University Health Center
Classification: Pathogenic for Alpha-1-antitrypsin deficiency. Review status: no assertion criteria provided. Collection method: clinical testing. Allele origin: unknown. Inheritance: Codominant. Affected: yes. Observed: 1 homozygote. Not counted in ClinVar's aggregate classification.
Comment: The AAT reference range at our institution is 0.99-2.59 g/L.

Literature cited by the submitters: PubMed 2539391 (cited by Labcorp Genetics (formerly Invitae), Labcorp and Counsyl); PubMed 21457231 (cited by Labcorp Genetics (formerly Invitae), Labcorp); PubMed 9070606 (cited by Labcorp Genetics (formerly Invitae), Labcorp); PubMed 11334395 (cited by Labcorp Genetics (formerly Invitae), Labcorp); PubMed 22016686 (cited by Labcorp Genetics (formerly Invitae), Labcorp); PubMed 26604020 (cited by Counsyl); PubMed 1730596 (cited by Counsyl); PubMed 27296815 (cited by Counsyl).